The following is an entry in ClinVar:

ClinVar aggregate classification (germline): Conflicting classifications of pathogenicity. Review status: criteria provided, conflicting classifications (1 of 4 stars). 3 submissions from 3 submitters: Likely pathogenic (1); Uncertain significance (2). Last evaluated 2021-08-12.

Conditions:
MYBPC3-related disorder. Also called: MYBPC3-related disorders; MYBPC3-related condition; MYBPC3-related disease.
Hypertrophic cardiomyopathy. Also called: HYPERTROPHIC MYOCARDIOPATHY. Identifiers: Orphanet 217569, MedGen C0007194, MeSH D002312, MONDO:0005045, HP:0001639.

Submissions (3):

Labcorp Genetics (formerly Invitae), Labcorp
Classification: Uncertain significance for Hypertrophic cardiomyopathy. Last evaluated: 2021-08-12. Review status: criteria provided, single submitter. Criteria: Invitae Variant Classification Sherloc (09022015). Collection method: clinical testing. Allele origin: germline.
Comment: In summary, the available evidence is currently insufficient to determine the role of this variant in disease. Therefore, it has been classified as a Variant of Uncertain Significance. Algorithms developed to predict the effect of sequence changes on RNA splicing suggest that this variant may create or strengthen a splice site, but this prediction has not been confirmed by published transcriptional studies. Algorithms developed to predict the effect of missense changes on protein structure and function (SIFT, PolyPhen-2, Align-GVGD) all suggest that this variant is likely to be tolerated, but these predictions have not been confirmed by published functional studies and their clinical significance is uncertain. This variant has been reported in individual(s) affected with hypertrophic cardiomyopathy (PMID: 27532257). ClinVar contains an entry for this variant (Variation ID: 42670). This variant is not present in population databases (ExAC no frequency). This sequence change replaces alanine with valine at codon 97 of the MYBPC3 protein (p.Ala97Val). The alanine residue is weakly conserved and there is a small physicochemical difference between alanine and valine.

Laboratory for Molecular Medicine, Mass General Brigham Personalized Medicine
Classification: Uncertain significance. Last evaluated: 2020-08-25. Review status: criteria provided, single submitter. Criteria: LMM Criteria. Collection method: clinical testing. Allele origin: germline. Observed: 4 variant alleles.
Comment: Variant classified as Uncertain Significance - Favor Pathogenic. The p.Ala97Val variant in MYBPC3 has been reported in 1 individual with hypertrophic cardiomyopathy (Walsh 2017 PMID: 27532257, LMM data) but was absent from large population studies. This variant is located in the last three bases of the exon, which is part of the 5' splice region. Computational tools predict a splicing impact through the creation of an alternate splice site which is in turn predicted to create a frameshift and premature termination and in vitro functional studies using a cell-based mini-gene splicing assay provide some evidence that this variant impacts splicing (Ito 2017 PMID: 28679633); however, these types of assays may not accurately represent biological function. In summary, while there is some suspicion for a pathogenic role, the clinical significance of this variant is uncertain. ACMG/AMP Criteria applied: PM2, PP3, PS3_Supporting.

Blueprint Genetics
Classification: Likely pathogenic for MYBPC3-related disorders. Last evaluated: 2018-12-05. Review status: criteria provided, single submitter. Criteria: ACMG Guidelines, 2015. Collection method: clinical testing. Allele origin: germline. Affected: yes. Observed: 1 variant allele.

Literature cited by the submitters: PubMed 27532257 (cited by Labcorp Genetics (formerly Invitae), Labcorp and Laboratory for Molecular Medicine, Mass General Brigham Personalized Medicine); PubMed 28679633 (cited by Laboratory for Molecular Medicine, Mass General Brigham Personalized Medicine).

NM_000256.3(MYBPC3):c.290C>T (p.Ala97Val)

Gene: MYBPC3 (myosin binding protein C3; minus strand). Cytogenetic location: 11p11.2.
Variant type: single nucleotide variant.
Coding change: c.290C>T on transcript NM_000256.3 (MANE Select); coding-DNA position 290, C replaced by T.
Protein change: p.Ala97Val; replaces alanine 97 with valine.
Molecular consequence: missense variant.
Genome position (GRCh38, 1-based): chr11:47,351,241, G>A on the plus strand (C>T on the coding strand, the complement: MYBPC3 is on the minus strand). VCF-style: chr11-47351241-G-A. GRCh37 (hg19) VCF-style: chr11-47372792-G-A.
Other names: short protein forms A97V.
Identifiers: ClinVar variation 42670 (VCV000042670.14), dbSNP rs397515993, ClinGen allele CA013180.